The following is an entry in ClinVar:

NM_001065.4(TNFRSF1A):c.960G>A (p.Gly320=)

Gene: TNFRSF1A (TNF receptor superfamily member 1A; minus strand). Cytogenetic location: 12p13.31.
Variant type: single nucleotide variant.
Coding change: c.960G>A on transcript NM_001065.4 (MANE Select); coding-DNA position 960, G replaced by A.
Protein change: p.Gly320=; no amino-acid change (glycine 320 retained).
Molecular consequence: synonymous variant. On other transcripts: non-coding transcript variant (1).
Genome position (GRCh38, 1-based): chr12:6,329,875, C>T on the plus strand (G>A on the coding strand, the complement: TNFRSF1A is on the minus strand). VCF-style: chr12-6329875-C-T. GRCh37 (hg19) VCF-style: chr12-6439041-C-T.
Other names: c.636G>A, p.Gly212= (NM_001346091.2); c.501G>A, p.Gly167= (NM_001346092.2).
Identifiers: ClinVar variation 789536 (VCV000789536.12), dbSNP rs868081847, ClinGen allele CA232326212.

ClinVar aggregate classification (germline): Likely benign. Review status: criteria provided, multiple submitters, no conflicts (2 of 4 stars). 3 submissions from 3 submitters: Likely benign (2). 1 of the submissions does not count toward it. Last evaluated 2025-09-04.

Conditions:
TNFRSF1A-related disorder. Also called: TNFRSF1A-related condition.
TNF receptor-associated periodic fever syndrome (TRAPS) (FPF). Also called: TNF RECEPTOR-ASSOCIATED PERIODIC SYNDROME; TUMOR NECROSIS FACTOR RECEPTOR-ASSOCIATED PERIODIC SYNDROME; Autosomal Dominant Familial Periodic Fever; TNF receptor 1-associated periodic fever syndrome; FAMILIAL HIBERNIAN FEVER; TNF Receptor-Associated Periodic Fever Syndrome. Identifiers: Orphanet 32960, MedGen C1275126, MONDO:0007727, OMIM 142680.

Allele frequency attached by ClinVar (database versions not stated): TOPMed 0.00002.
gnomAD v4.1: 12 of 1,592,328 alleles (0.00075%); highest among the groups gnomAD compares: Middle Eastern, 0.034%; no homozygotes.

Submissions (3):

Labcorp Genetics (formerly Invitae), Labcorp
Classification: Likely benign for TNF receptor-associated periodic fever syndrome (TRAPS). Last evaluated: 2025-09-04. Review status: criteria provided, single submitter. Criteria: Invitae Variant Classification Sherloc (09022015). Collection method: clinical testing. Allele origin: germline.

Blueprint Genetics
Classification: Likely benign. Last evaluated: 2024-08-26. Review status: criteria provided, single submitter. Criteria: ACMG Guidelines, 2015. Collection method: clinical testing. Allele origin: germline.

PreventionGenetics, part of Exact Sciences
Classification: Likely benign for TNFRSF1A-related condition. Last evaluated: 2024-09-19. Review status: no assertion criteria provided. Collection method: clinical testing. Allele origin: germline. Not counted in ClinVar's aggregate classification.
Comment: This variant is classified as likely benign based on ACMG/AMP sequence variant interpretation guidelines (Richards et al. 2015 PMID: 25741868, with internal and published modifications).